The following is an entry in ClinVar:

ClinVar aggregate classification (germline): Conflicting classifications of pathogenicity. Review status: criteria provided, conflicting classifications (1 of 4 stars). 4 submissions from 4 submitters: Uncertain significance (2); Likely benign (2). Last evaluated 2025-01-15.

Conditions:
Cardiovascular phenotype. Identifiers: MedGen CN230736.

Allele frequency attached by ClinVar (database versions not stated): gnomAD 0.00003; gnomAD exomes 0.00010 and 0.00012; ExAC 0.00012.
gnomAD v4.1: 149 of 1,613,586 alleles (0.0092%); highest among the groups gnomAD compares: South Asian, 0.13%; 4 homozygotes.

Submissions (4):

Mayo Clinic Laboratories, Mayo Clinic
Classification: Likely benign. Last evaluated: 2025-01-15. Review status: criteria provided, single submitter. Criteria: ACMG Guidelines, 2015. Collection method: clinical testing. Allele origin: germline. Observed: 1 variant allele.
Comment: BS1, BS2_supporting, BP4_moderate

Labcorp Genetics (formerly Invitae), Labcorp
Classification: Uncertain significance. Last evaluated: 2024-07-19. Review status: criteria provided, single submitter. Criteria: Invitae Variant Classification Sherloc (09022015). Collection method: clinical testing. Allele origin: germline.
Comment: This sequence change replaces proline, which is neutral and non-polar, with serine, which is neutral and polar, at codon 170 of the PRDM5 protein (p.Pro170Ser). This variant is present in population databases (rs746068577, gnomAD 0.09%). This variant has not been reported in the literature in individuals affected with PRDM5-related conditions. ClinVar contains an entry for this variant (Variation ID: 1174468). An algorithm developed to predict the effect of missense changes on protein structure and function (PolyPhen-2) suggests that this variant is likely to be disruptive. In summary, the available evidence is currently insufficient to determine the role of this variant in disease. Therefore, it has been classified as a Variant of Uncertain Significance.

Ambry Genetics
Classification: Likely benign for Cardiovascular phenotype. Last evaluated: 2022-05-24. Review status: criteria provided, single submitter. Criteria: Ambry Variant Classification Scheme 2023. Collection method: clinical testing. Allele origin: germline.

GeneDx
Classification: Uncertain significance. Last evaluated: 2020-06-15. Review status: criteria provided, single submitter. Criteria: GeneDx Variant Classification (06012015). Collection method: clinical testing. Allele origin: germline. Affected: yes.
Comment: Has not been previously published as pathogenic or benign to our knowledge; In silico analysis, which includes protein predictors and evolutionary conservation, supports that this variant does not alter protein structure/function

NM_018699.4(PRDM5):c.508C>T (p.Pro170Ser)

Gene: PRDM5 (PR/SET domain 5; minus strand). Cytogenetic location: 4q27.
Variant type: single nucleotide variant.
Coding change: c.508C>T on transcript NM_018699.4 (MANE Select); coding-DNA position 508, C replaced by T.
Protein change: p.Pro170Ser; replaces proline 170 with serine.
Molecular consequence: missense variant.
Genome position (GRCh38, 1-based): chr4:120,818,495, G>A on the plus strand (C>T on the coding strand, the complement: PRDM5 is on the minus strand). VCF-style: chr4-120818495-G-A. GRCh37 (hg19) VCF-style: chr4-121739650-G-A.
Other names: p.Pro170Ser; c.508C>T, p.Pro170Ser (NM_001300823.2, NM_001300824.2, NM_001379104.1 and 1 more transcripts); c.508C>T (NM_018699.3); short protein forms P170S.
Identifiers: ClinVar variation 1174468 (VCV001174468.5), dbSNP rs746068577, ClinGen allele CA3061371.